The following is an entry in ClinVar:

NM_000218.3(KCNQ1):c.797T>G (p.Leu266Arg)

Gene: KCNQ1 (potassium voltage-gated channel subfamily Q member 1; plus strand). Cytogenetic location: 11p15.5.
Variant type: single nucleotide variant.
Coding change: c.797T>G on transcript NM_000218.3 (MANE Select); coding-DNA position 797, T replaced by G.
Protein change: p.Leu266Arg; replaces leucine 266 with arginine.
Molecular consequence: missense variant.
Genome position (GRCh38, 1-based): chr11:2,572,862, T>G. VCF-style: chr11-2572862-T-G. GRCh37 (hg19) VCF-style: chr11-2594092-T-G.
Other names: c.797T>G, p.Leu266Arg (NM_001406836.1); c.527T>G, p.Leu176Arg (NM_001406837.1); c.416T>G, p.Leu139Arg (NM_181798.2); short protein forms L139R, L266R, L176R.
Identifiers: ClinVar variation 393006 (VCV000393006.15), dbSNP rs199473460, ClinGen allele CA16606299.
Genomic context (GRCh38, chr11:2,572,862, plus strand): 5'-GCCTGCGGTTCCTGGAGCCCGACACTGTGTGTTTTCTGGCCTAGGAGCTGATAACCACCC[T>G]GTACATCGGCTTCCTGGGCCTCATCTTCTCCTCGTACTTTGTGTACCTGGCTGAGAAGGA-3'
Protein context (NP_000209.2, residues 256-276): FIHRQELITT[Leu266Arg]YIGFLGLIFS

ClinVar aggregate classification (germline): Conflicting classifications of pathogenicity. Review status: criteria provided, conflicting classifications (1 of 4 stars). 3 submissions from 3 submitters: Likely pathogenic (2); Uncertain significance (1). Last evaluated 2022-03-19.

Conditions:
Long QT syndrome (LQTS). Identifiers: MedGen C0023976, MeSH D008133, MONDO:0002442. Disease mechanism: loss of function. Inheritance: Various modes of inheritance.
Cardiovascular phenotype. Identifiers: MedGen CN230736.

Submissions (3):

Labcorp Genetics (formerly Invitae), Labcorp
Classification: Likely pathogenic for Long QT syndrome. Last evaluated: 2022-03-19. Review status: criteria provided, single submitter. Criteria: Invitae Variant Classification Sherloc (09022015). Collection method: clinical testing. Allele origin: germline.
Comment: In summary, the currently available evidence indicates that the variant is pathogenic, but additional data are needed to prove that conclusively. Therefore, this variant has been classified as Likely Pathogenic. This variant disrupts the p.Leu266 amino acid residue in KCNQ1. Other variant(s) that disrupt this residue have been determined to be pathogenic (PMID: 14678125, 17470695, 17905336, 21118729, 21451124, 22949429). This suggests that this residue is clinically significant, and that variants that disrupt this residue are likely to be disease-causing. Algorithms developed to predict the effect of missense changes on protein structure and function (SIFT, PolyPhen-2, Align-GVGD) all suggest that this variant is likely to be disruptive. ClinVar contains an entry for this variant (Variation ID: 393006). This missense change has been observed in individual(s) with long QT syndrome (Invitae). It has also been observed to segregate with disease in related individuals. This variant is not present in population databases (gnomAD no frequency). This sequence change replaces leucine, which is neutral and non-polar, with arginine, which is basic and polar, at codon 266 of the KCNQ1 protein (p.Leu266Arg).

Ambry Genetics
Classification: Uncertain significance for Cardiovascular phenotype. Last evaluated: 2018-10-31. Review status: criteria provided, single submitter. Criteria: Ambry Variant Classification Scheme 2023. Collection method: clinical testing. Allele origin: germline.
Comment: The p.L266R variant (also known as c.797T>G), located in coding exon 6 of the KCNQ1 gene, results from a T to G substitution at nucleotide position 797. The leucine at codon 266 is replaced by arginine, an amino acid with dissimilar properties, and is located in the S5 transmembrane region. This alteration has been reported in a hypertrophic cardiomyopathy (HCM) cohort; however, clinical details were limited (Lopes LR et al. Heart, 2015 Feb;101:294-301). Another alteration affecting this amino acid (p.L266P, c.797T>C) has been reported in long QT syndrome cohorts (Splawski I et al. Circulation, 2000 Sep;102:1178-85). This amino acid position is highly conserved in available vertebrate species. In addition, this alteration is predicted to be deleterious by in silico analysis. Since supporting evidence is limited at this time, the clinical significance of this alteration remains unclear.

GeneDx
Classification: Likely pathogenic. Last evaluated: 2017-01-20. Review status: criteria provided, single submitter. Criteria: GeneDx Variant Classification (06012015). Collection method: clinical testing. Allele origin: germline. Affected: yes.
Comment: A variant that is likely pathogenic was identified in the KCNQ1 gene. The L266R variant has not been published in association with LQTS to our knowledge. This variant has been reported in one patient with hypertrophic cardiomyopathy (HCM); however, additional clinical information was not provided (Lopes et al., 2015). Nevertheless, the L266R variant is not observed at a significant frequency in large population cohorts (Lek et al., 2016; Exome Variant Server). This variant is a non-conservative amino acid substitution, which is likely to impact secondary protein structure as these residues differ in polarity, charge, size and/or other properties. This substitution occurs at a position that is conserved across species and in silico analysis predicts this variant is probably damaging to the protein structure/function. A missense variant in the same residue (L266P) has been reported in the Human Gene Mutation Database in association with LQTS (Stenson et al., 2014), supporting the functional importance of this residue.

Literature cited by the submitters: PubMed 14678125 (cited by Labcorp Genetics (formerly Invitae), Labcorp); PubMed 17470695 (cited by Labcorp Genetics (formerly Invitae), Labcorp); PubMed 17905336 (cited by Labcorp Genetics (formerly Invitae), Labcorp); PubMed 21118729 (cited by Labcorp Genetics (formerly Invitae), Labcorp); PubMed 21451124 (cited by Labcorp Genetics (formerly Invitae), Labcorp); PubMed 22949429 (cited by Labcorp Genetics (formerly Invitae), Labcorp); PubMed 10973849 (cited by Ambry Genetics); PubMed 25351510 (cited by Ambry Genetics).